The following is an entry in ClinVar:

NM_001447.3(FAT2):c.269G>A (p.Gly90Asp)

Gene: FAT2 (FAT atypical cadherin 2; minus strand). Cytogenetic location: 5q33.1.
Variant type: single nucleotide variant.
Coding change: c.269G>A on transcript NM_001447.3 (MANE Select); coding-DNA position 269, G replaced by A.
Protein change: p.Gly90Asp; replaces glycine 90 with aspartic acid.
Molecular consequence: missense variant.
Genome position (GRCh38, 1-based): chr5:151,568,663, C>T on the plus strand (G>A on the coding strand, the complement: FAT2 is on the minus strand). VCF-style: chr5-151568663-C-T. GRCh37 (hg19) VCF-style: chr5-150948224-C-T.
Other names: c.269G>A (NM_001447.2); short protein forms G90D.
Identifiers: ClinVar variation 2047312 (VCV002047312.31), dbSNP rs145029623, ClinGen allele CA3522468.

ClinVar aggregate classification (germline): Conflicting classifications of pathogenicity. Review status: criteria provided, conflicting classifications (1 of 4 stars). 6 submissions from 6 submitters: Uncertain significance (1); Likely benign (4). 1 of the submissions does not count toward it. Last evaluated 2026-01-12.

Conditions:
FAT2-related disorder. Also called: FAT2-related condition.
Spinocerebellar ataxia 45. Identifiers: Orphanet 589527, MedGen C4540400, MONDO:0033480, OMIM 617769.

Allele frequency attached by ClinVar (database versions not stated): 1000 Genomes Project 30x 0.00031; 1000 Genomes Project 0.00040; TOPMed 0.00077; gnomAD exomes 0.00107; gnomAD 0.00113; ExAC 0.00128; ESP Exome Variant Server 0.00146.
gnomAD v4.1: 1,716 of 1,614,178 alleles (0.11%); highest among the groups gnomAD compares: Non-Finnish European, 0.12%; 1 homozygote.

Submissions (6):

Labcorp Genetics (formerly Invitae), Labcorp
Classification: Likely benign. Last evaluated: 2026-01-12. Review status: criteria provided, single submitter. Criteria: Invitae Variant Classification Sherloc (09022015). Collection method: clinical testing. Allele origin: germline.

Ambry Genetics
Classification: Uncertain significance. Last evaluated: 2025-12-16. Review status: criteria provided, single submitter. Criteria: Ambry Variant Classification Scheme 2023. Collection method: clinical testing. Allele origin: germline.

Blueprint Genetics
Classification: Likely benign. Last evaluated: 2024-10-15. Review status: criteria provided, single submitter. Criteria: ACMG Guidelines, 2015. Collection method: clinical testing. Allele origin: germline.

CeGaT Center for Human Genetics Tuebingen
Classification: Likely benign. Last evaluated: 2023-08-01. Review status: criteria provided, single submitter. Criteria: CeGaT Center For Human Genetics Tuebingen Variant Classification Criteria Version 2. Collection method: clinical testing. Allele origin: germline. Affected: yes. Observed: 1 variant allele.
Comment: FAT2: BS2

Department of Pathology and Laboratory Medicine, Sinai Health System
Classification: Likely benign for Spinocerebellar ataxia 45. Last evaluated: 2021-07-30. Review status: criteria provided, single submitter. Criteria: ACMG Guidelines, 2015. Collection method: research. Allele origin: germline.

PreventionGenetics, part of Exact Sciences
Classification: Likely benign for FAT2-related condition. Last evaluated: 2019-11-06. Review status: no assertion criteria provided. Collection method: clinical testing. Allele origin: germline. Not counted in ClinVar's aggregate classification.
Comment: This variant is classified as likely benign based on ACMG/AMP sequence variant interpretation guidelines (Richards et al. 2015 PMID: 25741868, with internal and published modifications).